The following is an entry in ClinVar:

ClinVar aggregate classification (germline): Uncertain significance (1 of 4 stars; one submission).

Conditions:
Sialuria. Also called: SIALURIA, FRENCH TYPE; Sialic Acid Storage Disease. Identifiers: Orphanet 3166, MedGen C0342853, MONDO:0010028, OMIM 269921.
GNE myopathy (NM). Also called: NONAKA DISTAL MYOPATHY; INCLUSION BODY MYOPATHY, HEREDITARY, AUTOSOMAL RECESSIVE; INCLUSION BODY MYOPATHY 2, AUTOSOMAL RECESSIVE; MYOPATHY, DISTAL, WITH OR WITHOUT RIMMED VACUOLES; IBM 2; Inclusion body myopathy autosomal recessive. Identifiers: Orphanet 602, MedGen C1853926, MONDO:0011603, OMIM 605820.

gnomAD v4.1: 1 of 1,613,602 alleles (0.000062%); highest among the groups gnomAD compares: South Asian, 0.0011%; no homozygotes.

Submission:

Labcorp Genetics (formerly Invitae), Labcorp
Classification: Uncertain significance for Sialuria; GNE myopathy. Last evaluated: 2024-11-07. Review status: criteria provided, single submitter. Criteria: Invitae Variant Classification Sherloc (09022015). Collection method: clinical testing. Allele origin: germline.
Comment: This sequence change replaces lysine, which is basic and polar, with asparagine, which is neutral and polar, at codon 668 of the GNE protein (p.Lys668Asn). This variant is not present in population databases (gnomAD no frequency). This variant has not been reported in the literature in individuals affected with GNE-related conditions. Invitae Evidence Modeling of protein sequence and biophysical properties (such as structural, functional, and spatial information, amino acid conservation, physicochemical variation, residue mobility, and thermodynamic stability) has been performed for this missense variant. However, the output from this modeling did not meet the statistical confidence thresholds required to predict the impact of this variant on GNE protein function. In summary, the available evidence is currently insufficient to determine the role of this variant in disease. Therefore, it has been classified as a Variant of Uncertain Significance.

NM_005476.7(GNE):c.1911G>T (p.Lys637Asn)

Gene: GNE (glucosamine (UDP-N-acetyl)-2-epimerase/N-acetylmannosamine kinase; minus strand). Cytogenetic location: 9p13.3.
Variant type: single nucleotide variant.
Coding change: c.1911G>T on transcript NM_005476.7 (MANE Select); coding-DNA position 1911, G replaced by T.
Protein change: p.Lys637Asn; replaces lysine 637 with asparagine.
Molecular consequence: missense variant.
Genome position (GRCh38, 1-based): chr9:36,218,205, C>A on the plus strand (G>T on the coding strand, the complement: GNE is on the minus strand). VCF-style: chr9-36218205-C-A. GRCh37 (hg19) VCF-style: chr9-36218202-C-A.
Other names: c.2004G>T, p.Lys668Asn (NM_001128227.3); c.1689G>T, p.Lys563Asn (NM_001190383.3); c.1581G>T, p.Lys527Asn (NM_001190384.3); c.1734G>T, p.Lys578Asn (NM_001190388.2, NM_001374798.1); c.1758G>T, p.Lys586Asn (NM_001374797.1); short protein forms K527N, K563N, K578N, K586N, K637N, K668N.
Identifiers: ClinVar variation 3758003 (VCV003758003.2).
Genomic context (GRCh38, chr9:36,218,205, plus strand): 5'-ACCCCCTGCAGCACAGCCACCTGCAGCCACATGCTCACCTGTTCTTAGGATGCTCTGGGC[C>A]TTCGCATTGCCAAGTTTCGCAGCTTGGATGAGATGGAGCGCACCCACAGCCTCATCTTTT-3'
Protein context (NP_005467.1, residues 627-647): LIQAAKLGNA[Lys637Asn]AQSILRTAGT